The following is an entry in ClinVar:

NM_022437.3(ABCG8):c.1667T>C (p.Phe556Ser)

Gene: ABCG8 (ATP binding cassette subfamily G member 8; plus strand). Cytogenetic location: 2p21.
Variant type: single nucleotide variant.
Coding change: c.1667T>C on transcript NM_022437.3 (MANE Select); coding-DNA position 1667, T replaced by C.
Protein change: p.Phe556Ser; replaces phenylalanine 556 with serine.
Molecular consequence: missense variant.
Genome position (GRCh38, 1-based): chr2:43,875,324, T>C. VCF-style: chr2-43875324-T-C. GRCh37 (hg19) VCF-style: chr2-44102463-T-C.
Other names: p.Phe556Ser; c.1664T>C, p.Phe555Ser (NM_001357321.2); c.1667T>C (NM_022437.2); short protein forms F556S, F555S.
Identifiers: ClinVar variation 596119 (VCV000596119.22), dbSNP rs548098742, ClinGen allele CA1637585.

ClinVar aggregate classification (germline): Conflicting classifications of pathogenicity. Review status: criteria provided, conflicting classifications (1 of 4 stars). 10 submissions from 10 submitters: Uncertain significance (5); Benign (1); Likely benign (2). 2 of the submissions do not count toward it. Last evaluated 2025-12-18.

Conditions:
Sitosterolemia 1. Identifiers: MedGen C2749759, MONDO:0020747, OMIM 210250.
Gallbladder disease 4 (GBD4). Identifiers: MedGen C1969115, MONDO:1010151, OMIM 611465.
Cardiovascular phenotype. Identifiers: MedGen CN230736.
ABCG8-related disorder. Also called: ABCG8-related condition.

Allele frequency attached by ClinVar (database versions not stated): gnomAD 0.00002 and 0.00033; TOPMed 0.00009; gnomAD exomes 0.00041 and 0.00078; ExAC 0.00089; 1000 Genomes Project 0.00220; 1000 Genomes Project 30x 0.00234.
gnomAD v4.1: 655 of 1,614,176 alleles (0.041%); highest among the groups gnomAD compares: South Asian, 0.67%; 4 homozygotes.

Submissions (10):

Labcorp Genetics (formerly Invitae), Labcorp
Classification: Benign. Last evaluated: 2025-12-18. Review status: criteria provided, single submitter. Criteria: Invitae Variant Classification Sherloc (09022015). Collection method: clinical testing. Allele origin: germline.

Mayo Clinic Laboratories, Mayo Clinic
Classification: Uncertain significance. Last evaluated: 2025-05-08. Review status: criteria provided, single submitter. Criteria: ACMG Guidelines, 2015. Collection method: clinical testing. Allele origin: germline. Observed: 2 variant alleles.
Comment: BS1

Women's Health and Genetics/Laboratory Corporation of America, LabCorp
Classification: Likely benign. Last evaluated: 2024-08-08. Review status: criteria provided, single submitter. Criteria: LabCorp Variant Classification Summary - May 2015. Collection method: clinical testing. Allele origin: germline.
Comment: Variant summary: ABCG8 c.1667T>C (p.Phe556Ser) results in a non-conservative amino acid change located in the ABC transporter-like, ATP-binding domain (IPR003439) of the encoded protein sequence. Four of five in-silico tools predict a damaging effect of the variant on protein function. The variant allele was found at a frequency of 0.00078 in 251310 control chromosomes, predominantly at a frequency of 0.0062 within the South Asian subpopulation in the gnomAD database. The observed variant frequency within South Asian control individuals in the gnomAD database is higher than the estimated maximal expected allele frequency for a pathogenic variant in ABCG8 causing Early Onset Coronary Artery Disease phenotype (0.005). To our knowledge, no occurrence of c.1667T>C in individuals affected with Early Onset Coronary Artery Disease and no experimental evidence demonstrating its impact on protein function have been reported. ClinVar contains an entry for this variant (Variation ID: 596119). Based on the evidence outlined above, the variant was classified as likely benign.

Blueprint Genetics
Classification: Uncertain significance. Last evaluated: 2024-07-11. Review status: criteria provided, single submitter. Criteria: ACMG Guidelines, 2015. Collection method: clinical testing. Allele origin: germline.

Ambry Genetics
Classification: Likely benign for Cardiovascular phenotype. Last evaluated: 2022-12-05. Review status: criteria provided, single submitter. Criteria: Ambry Variant Classification Scheme 2023. Collection method: clinical testing. Allele origin: germline.

New York Genome Center
Classification: Uncertain significance for Sitosterolemia 1. Last evaluated: 2022-06-23. Review status: criteria provided, single submitter. Criteria: NYGC Assertion Criteria 2020. Collection method: clinical testing. Allele origin: germline. Observed: 1 heterozygote.

Fulgent Genetics
Classification: Uncertain significance for Sitosterolemia 1; Gallbladder disease 4. Last evaluated: 2021-11-07. Review status: criteria provided, single submitter. Criteria: ACMG Guidelines, 2015. Collection method: clinical testing. Allele origin: unknown.

Eurofins Ntd Llc (ga)
Classification: Uncertain significance. Last evaluated: 2018-02-09. Review status: criteria provided, single submitter. Criteria: EGL ClinVar v180209 classification definitions. Collection method: clinical testing. Allele origin: germline. Observed: 1 variant allele, 1 heterozygote.

PreventionGenetics, part of Exact Sciences
Classification: Likely benign for ABCG8-related condition. Last evaluated: 2020-03-06. Review status: no assertion criteria provided. Collection method: clinical testing. Allele origin: germline. Not counted in ClinVar's aggregate classification.
Comment: This variant is classified as likely benign based on ACMG/AMP sequence variant interpretation guidelines (Richards et al. 2015 PMID: 25741868, with internal and published modifications).

ISTH-SSC Genomics in Thrombosis and Hemostasis, KU Leuven, Center for Molecular and Vascular Biology
Classification: Uncertain significance for Sitosterolemia 1. Review status: no assertion criteria provided. Collection method: research. Allele origin: unknown. Affected: yes. Not counted in ClinVar's aggregate classification.
Comment: Submitted to GoldVariant by Neil Morgan from Birmingham Platelet Group, Birmingham, UK

Literature cited by the submitters: PubMed 32041611 (cited by Mayo Clinic Laboratories, Mayo Clinic); PubMed 32088153 (cited by Mayo Clinic Laboratories, Mayo Clinic).